The following is an entry in ClinVar:

ClinVar aggregate classification (germline): Uncertain significance (1 of 4 stars; one submission).

Conditions:
Fanconi anemia (FA). Also called: Fanconi's anemia. Identifiers: Orphanet 84, MedGen C0015625, MeSH D005199, MONDO:0019391.

Submission:

Labcorp Genetics (formerly Invitae), Labcorp
Classification: Uncertain significance for Fanconi anemia. Last evaluated: 2025-10-17. Review status: criteria provided, single submitter. Criteria: Invitae Variant Classification Sherloc (09022015). Collection method: clinical testing. Allele origin: germline.
Comment: This sequence change replaces glutamine, which is neutral and polar, with lysine, which is basic and polar, at codon 744 of the FANCD2 protein (p.Gln744Lys). This variant is not present in population databases (gnomAD no frequency). This variant has not been reported in the literature in individuals affected with FANCD2-related conditions. Invitae Evidence Modeling of protein sequence and biophysical properties (such as structural, functional, and spatial information, amino acid conservation, physicochemical variation, residue mobility, and thermodynamic stability) indicates that this missense variant is expected to disrupt FANCD2 protein function with a positive predictive value of 80%. In summary, the available evidence is currently insufficient to determine the role of this variant in disease. Therefore, it has been classified as a Variant of Uncertain Significance.

NM_001018115.3(FANCD2):c.2230C>A (p.Gln744Lys)

Genes: FANCD2 (FA complementation group D2; plus strand), LOC107303338 (3p25 FANCD2 Alu-mediated recombination region; plus strand). Cytogenetic location: 3p25.3.
Variant type: single nucleotide variant.
Coding change: c.2230C>A on transcript NM_001018115.3 (MANE Select); coding-DNA position 2230, C replaced by A.
Protein change: p.Gln744Lys; replaces glutamine 744 with lysine.
Molecular consequence: missense variant.
Genome position (GRCh38, 1-based): chr3:10,065,455, C>A. VCF-style: chr3-10065455-C-A. GRCh37 (hg19) VCF-style: chr3-10107139-C-A.
Other names: c.2230C>A, p.Gln744Lys (NM_033084.6, NM_001319984.2, NM_001374254.1); c.2119C>A, p.Gln707Lys (NM_001374253.1); short protein forms Q744K, Q707K.
Identifiers: ClinVar variation 4771571 (VCV004771571.1).